The following is an entry in ClinVar:

NM_006648.4(WNK2):c.2408C>G (p.Pro803Arg)

Gene: WNK2 (WNK lysine deficient protein kinase 2; plus strand). Cytogenetic location: 9q22.31.
Variant type: single nucleotide variant.
Coding change: c.2408C>G on transcript NM_006648.4 (MANE Select); coding-DNA position 2408, C replaced by G.
Protein change: p.Pro803Arg; replaces proline 803 with arginine.
Molecular consequence: missense variant.
Genome position (GRCh38, 1-based): chr9:93,258,956, C>G. VCF-style: chr9-93258956-C-G. GRCh37 (hg19) VCF-style: chr9-96021238-C-G.
Other names: c.2408C>G, p.Pro803Arg (NM_001282394.3); short protein forms P803R.
Identifiers: ClinVar variation 4866640 (VCV004866640.1).

ClinVar aggregate classification (germline): Uncertain significance (1 of 4 stars; one submission).

gnomAD v4.1: 6 of 1,612,626 alleles (0.00037%); highest among the groups gnomAD compares: Non-Finnish European, 0.00051%; no homozygotes.

Submission:

Ambry Genetics
Classification: Uncertain significance. Last evaluated: 2026-05-02. Review status: criteria provided, single submitter. Criteria: Ambry Variant Classification Scheme 2023. Collection method: clinical testing. Allele origin: germline.
Comment: The p.P803R variant (also known as c.2408C>G), located in coding exon 11 of the WNK2 gene, results from a C to G substitution at nucleotide position 2408. The proline at codon 803 is replaced by arginine, an amino acid with dissimilar properties. This amino acid position is conserved. In addition, the in silico prediction for this alteration is inconclusive. Based on the available evidence, the clinical significance of this variant remains unclear.